The following is an entry in ClinVar:

ClinVar aggregate classification (germline): Conflicting classifications of pathogenicity. Review status: criteria provided, conflicting classifications (1 of 4 stars). 2 submissions from 2 submitters: Uncertain significance (1); Likely benign (1). Last evaluated 2025-07-23.

Conditions:
EYS-related disorder. Also called: EYS-related condition.

Allele frequency attached by ClinVar (database versions not stated): gnomAD 0.00002; TOPMed 0.00003.
gnomAD v4.1: 3 of 152,104 alleles (0.002%); highest among the groups gnomAD compares: Non-Finnish European, 0.0044%; no homozygotes.

Submissions (2):

PreventionGenetics, part of Exact Sciences
Classification: Likely benign for EYS-related condition. Last evaluated: 2025-07-23. Review status: criteria provided, single submitter. Criteria: ACMG Guidelines, 2015. Collection method: clinical testing. Allele origin: germline.
Comment: This variant is classified as likely benign based on ACMG/AMP sequence variant interpretation guidelines (Richards et al. 2015 PMID: 25741868, with internal and published modifications).

Labcorp Genetics (formerly Invitae), Labcorp
Classification: Uncertain significance. Last evaluated: 2022-07-19. Review status: criteria provided, single submitter. Criteria: Invitae Variant Classification Sherloc (09022015). Collection method: clinical testing. Allele origin: germline.
Comment: This variant occurs in a non-coding region of the EYS gene. It does not change the encoded amino acid sequence of the EYS protein. This variant is not present in population databases (gnomAD no frequency). This variant has not been reported in the literature in individuals affected with EYS-related conditions. ClinVar contains an entry for this variant (Variation ID: 1487517). In summary, the available evidence is currently insufficient to determine the role of this variant in disease. Therefore, it has been classified as a Variant of Uncertain Significance.

NM_001142800.2(EYS):c.-492T>A

Gene: EYS (EGF-like photoreceptor maintenance factor; minus strand). Cytogenetic location: 6q12.
Variant type: single nucleotide variant.
Coding change: c.-492T>A on transcript NM_001142800.2 (MANE Select); 492 bases upstream of the start codon, T replaced by A.
Molecular consequence: 5 prime UTR variant.
Genome position (GRCh38, 1-based): chr6:65,707,179, A>T on the plus strand (T>A on the coding strand, the complement: EYS is on the minus strand). VCF-style: chr6-65707179-A-T. GRCh37 (hg19) VCF-style: chr6-66417072-A-T.
Other names: c.-492T>A (NM_001142801.2, NM_001292009.2, NM_001142800.1).
Identifiers: ClinVar variation 1487517 (VCV001487517.4), dbSNP rs954063114, ClinGen allele CA140459990.
Genomic context (GRCh38, chr6:65,707,179, plus strand): 5'-ATCAAGTATAACTTACCCCAACCATTAGCCAAGGAGGCTTGCAACCCTAGGAGGCTTCTG[A>T]TTACGGTTAATGTCTGGACATGCCTAGCGTGTATCACTTTGTTTCTCAGAAGCCTAATCC-3'